The following is an entry in ClinVar:

ClinVar aggregate classification (germline): Uncertain significance (1 of 4 stars; one submission).

gnomAD v4.1: 2 of 1,612,750 alleles (0.00012%); highest among the groups gnomAD compares: Non-Finnish European, 0.00017%; no homozygotes.

Submission:

GeneDx
Classification: Uncertain significance. Last evaluated: 2024-06-24. Review status: criteria provided, single submitter. Criteria: GeneDx Variant Classification Process June 2021. Collection method: clinical testing. Allele origin: germline. Affected: yes.
Comment: Not observed at significant frequency in large population cohorts (gnomAD); In silico analysis indicates that this missense variant does not alter protein structure/function; Has not been previously published as pathogenic or benign to our knowledge

NM_000744.7(CHRNA4):c.1676C>T (p.Pro559Leu)

Gene: CHRNA4 (cholinergic receptor nicotinic alpha 4 subunit; minus strand). Cytogenetic location: 20q13.33.
Variant type: single nucleotide variant.
Coding change: c.1676C>T on transcript NM_000744.7 (MANE Select); coding-DNA position 1676, C replaced by T.
Protein change: p.Pro559Leu; replaces proline 559 with leucine.
Molecular consequence: missense variant. On other transcripts: non-coding transcript variant (1).
Genome position (GRCh38, 1-based): chr20:63,349,735, G>A on the plus strand (C>T on the coding strand, the complement: CHRNA4 is on the minus strand). VCF-style: chr20-63349735-G-A. GRCh37 (hg19) VCF-style: chr20-61981087-G-A.
Other names: c.1148C>T, p.Pro383Leu (NM_001256573.2); short protein forms P383L, P559L.
Identifiers: ClinVar variation 3392728 (VCV003392728.1).